The following is an entry in ClinVar:

NM_000059.4(BRCA2):c.4171G>A (p.Glu1391Lys)

Gene: BRCA2 (BRCA2 DNA repair associated; plus strand). Cytogenetic location: 13q13.1.
Variant type: single nucleotide variant.
Coding change: c.4171G>A on transcript NM_000059.4 (MANE Select); coding-DNA position 4171, G replaced by A.
Protein change: p.Glu1391Lys; replaces glutamic acid 1391 with lysine.
Molecular consequence: missense variant.
Genome position (GRCh38, 1-based): chr13:32,338,526, G>A. VCF-style: chr13-32338526-G-A. GRCh37 (hg19) VCF-style: chr13-32912663-G-A.
Other names: short protein forms E1391K.
Identifiers: ClinVar variation 824646 (VCV000824646.13), dbSNP rs1593901620, ClinGen allele CA387780084.

ClinVar aggregate classification (germline): Conflicting classifications of pathogenicity. Review status: criteria provided, conflicting classifications (1 of 4 stars). 5 submissions from 5 submitters: Uncertain significance (4); Likely benign (1). Last evaluated 2025-11-17.

Conditions:
Hereditary breast ovarian cancer syndrome. Also called: Hereditary breast and ovarian cancer syndrome; Hereditary breast and ovarian cancer; Hereditary breast and ovarian cancer syndrome (HBOC); Breast and ovarian cancer; Hereditary breast and/or ovarian cancer syndrome; BRCA1- and BRCA2-Associated Hereditary Breast and Ovarian Cancer. Identifiers: Orphanet 145, MedGen C0677776, MeSH D061325, MONDO:0003582. Disease mechanism: loss of function.
Hereditary cancer-predisposing syndrome. Also called: Neoplastic Syndromes, Hereditary; Tumor predisposition; Hereditary neoplastic syndrome; Hereditary Cancer Syndrome. Identifiers: Orphanet 140162, MedGen C0027672, MeSH D009386, MONDO:0015356.

Submissions (5):

Color Diagnostics, LLC DBA Color Health
Classification: Uncertain significance for Hereditary cancer-predisposing syndrome. Last evaluated: 2025-11-17. Review status: criteria provided, single submitter. Criteria: ACMG Guidelines, 2015. Collection method: clinical testing. Allele origin: germline.
Comment: This missense variant replaces glutamic acid with lysine at codon 1391 of the BRCA2 protein. Computational prediction suggests that this variant may not impact protein structure and function. To our knowledge, functional studies have not been reported for this variant. This variant has not been reported in individuals affected with BRCA2-related disorders in the literature. This variant has not been identified in the general population by the Genome Aggregation Database (gnomAD). The available evidence is insufficient to determine the role of this variant in disease conclusively. Therefore, this variant is classified as a Variant of Uncertain Significance.

Quest Diagnostics Nichols Institute San Juan Capistrano
Classification: Uncertain significance. Last evaluated: 2023-07-07. Review status: criteria provided, single submitter. Criteria: Quest Diagnostics criteria. Collection method: clinical testing. Allele origin: unknown.
Comment: In the published literature, this variant has been identified in a study of BRCA1 and BRCA2 regions without essential functions that tolerate variation (PMID: 31911673 (2020)). This variant has not been reported in large, multi-ethnic general populations (Genome Aggregation Database). Analysis of this variant using bioinformatics tools for the prediction of the effect of amino acid changes on protein structure and function yielded conflicting predictions that this variant is benign or damaging. Based on the available information, we are unable to determine the clinical significance of this variant.

University of Washington Department of Laboratory Medicine, University of Washington
Classification: Likely benign for Hereditary cancer-predisposing syndrome. Last evaluated: 2023-03-23. Review status: criteria provided, single submitter. Criteria: Dines et al. (Genet Med. 2020). Collection method: curation. Allele origin: germline.
Comment: Missense variant in a coldspot region where missense variants are very unlikely to be pathogenic (PMID:31911673).

BRCA2 exon 11 coldspot. Reclassification based on statistical prior probability.

Labcorp Genetics (formerly Invitae), Labcorp
Classification: Uncertain significance for Hereditary breast ovarian cancer syndrome. Last evaluated: 2022-07-24. Review status: criteria provided, single submitter. Criteria: Invitae Variant Classification Sherloc (09022015). Collection method: clinical testing. Allele origin: germline.
Comment: In summary, the available evidence is currently insufficient to determine the role of this variant in disease. Therefore, it has been classified as a Variant of Uncertain Significance. Advanced modeling of protein sequence and biophysical properties (such as structural, functional, and spatial information, amino acid conservation, physicochemical variation, residue mobility, and thermodynamic stability) performed at Invitae indicates that this missense variant is not expected to disrupt BRCA2 protein function. ClinVar contains an entry for this variant (Variation ID: 824646). This variant has not been reported in the literature in individuals affected with BRCA2-related conditions. This variant is not present in population databases (gnomAD no frequency). This sequence change replaces glutamic acid, which is acidic and polar, with lysine, which is basic and polar, at codon 1391 of the BRCA2 protein (p.Glu1391Lys).

Ambry Genetics
Classification: Uncertain significance for Hereditary cancer-predisposing syndrome. Last evaluated: 2019-10-14. Review status: criteria provided, single submitter. Criteria: Ambry Variant Classification Scheme 2023. Collection method: clinical testing. Allele origin: germline.
Comment: The p.E1391K variant (also known as c.4171G>A), located in coding exon 10 of the BRCA2 gene, results from a G to A substitution at nucleotide position 4171. The glutamic acid at codon 1391 is replaced by lysine, an amino acid with similar properties. This amino acid position is well conserved in available vertebrate species. In addition, the in silico prediction for this alteration is inconclusive. Since supporting evidence is limited at this time, the clinical significance of this alteration remains unclear.

Literature cited by the submitters: PubMed 31911673 (cited by Quest Diagnostics Nichols Institute San Juan Capistrano).